The following is an entry in ClinVar:

NM_033056.4(PCDH15):c.4843T>C (p.Cys1615Arg)

Gene: PCDH15 (protocadherin related 15; minus strand). Cytogenetic location: 10q21.1.
Variant type: single nucleotide variant.
Coding change: c.4843T>C on transcript NM_033056.4 (MANE Plus Clinical); coding-DNA position 4843, T replaced by C.
Protein change: p.Cys1615Arg; replaces cysteine 1615 with arginine.
Molecular consequence: missense variant. On other transcripts: intron variant (8).
Genome position (GRCh38, 1-based): chr10:53,822,883, A>G on the plus strand (T>C on the coding strand, the complement: PCDH15 is on the minus strand). VCF-style: chr10-53822883-A-G. GRCh37 (hg19) VCF-style: chr10-55582643-A-G.
Other names: c.4864T>C, p.Cys1622Arg (NM_001142763.2); c.4849T>C, p.Cys1617Arg (NM_001142764.2); c.4636T>C, p.Cys1546Arg (NM_001142765.2); c.4834T>C, p.Cys1612Arg (NM_001142766.2); c.4723T>C, p.Cys1575Arg (NM_001142767.2); c.4783T>C, p.Cys1595Arg (NM_001142768.2); c.4774T>C, p.Cys1592Arg (NM_001142773.2); c.4777T>C, p.Cys1593Arg (NM_001354404.2); and 6 more; short protein forms C1546R, C1575R, C1592R, C1593R, C1595R, C1612R, C1615R, C1617R.
Identifiers: ClinVar variation 4540145 (VCV004540145.1).

ClinVar aggregate classification (germline): Uncertain significance (1 of 4 stars; one submission).

Submission:

GeneDx
Classification: Uncertain significance. Last evaluated: 2025-06-27. Review status: criteria provided, single submitter. Criteria: GeneDx Variant Classification Process June 2021. Collection method: clinical testing. Allele origin: germline. Affected: yes.
Comment: Not observed at significant frequency in large population cohorts (gnomAD); In silico analysis suggests that this missense variant does not alter protein structure/function; Has not been previously published as pathogenic or benign to our knowledge